The following is an entry in ClinVar:

ClinVar aggregate classification (germline): Uncertain significance (1 of 4 stars; one submission).

Conditions:
Familial cold autoinflammatory syndrome 2 (FCAS2). Identifiers: Orphanet 247868, MedGen C2673198, MONDO:0012724, OMIM 611762.

Submission:

Labcorp Genetics (formerly Invitae), Labcorp
Classification: Uncertain significance for Familial cold autoinflammatory syndrome 2. Last evaluated: 2023-07-08. Review status: criteria provided, single submitter. Criteria: Invitae Variant Classification Sherloc (09022015). Collection method: clinical testing. Allele origin: germline.
Comment: This sequence change creates a premature translational stop signal (p.His664Profs*40) in the NLRP12 gene. It is expected to result in an absent or disrupted protein product. However, the current clinical and genetic evidence is not sufficient to establish whether loss-of-function variants in NLRP12 cause disease. This variant is not present in population databases (gnomAD no frequency). This variant has not been reported in the literature in individuals affected with NLRP12-related conditions. In summary, the available evidence is currently insufficient to determine the role of this variant in disease. Therefore, it has been classified as a Variant of Uncertain Significance.

NM_144687.4(NLRP12):c.1990dup (p.His664fs)

Gene: NLRP12 (NLR family pyrin domain containing 12; minus strand). Cytogenetic location: 19q13.42.
Variant type: Duplication.
Coding change: c.1990dup on transcript NM_144687.4 (MANE Select); coding-DNA position 1990, one base duplicated (C; older notation c.1990dupC).
Protein change: p.His664fs; shifts the reading frame from histidine 664.
Molecular consequence: frameshift variant.
Genome position (GRCh38, 1-based): chr19:53,809,669, G duplicated on the plus strand (C on the coding strand, the reverse complement: NLRP12 is on the minus strand). VCF-style (leftmost placement, unchanged base first): chr19-53809668-T-TG. GRCh37 (hg19) VCF-style: chr19-54312922-T-TG.
Other names: c.1990dup, p.His664fs (NM_001277126.2, NM_001277129.1); short protein forms H664fs.
Identifiers: ClinVar variation 2738734 (VCV002738734.3), dbSNP rs2514329574, ClinGen allele CA2515099380.